The following is an entry in ClinVar:

NM_000059.4(BRCA2):c.8632+374C>T

Gene: BRCA2 (BRCA2 DNA repair associated; plus strand). Cytogenetic location: 13q13.1.
Variant type: single nucleotide variant.
Coding change: c.8632+374C>T on transcript NM_000059.4 (MANE Select); 374 bases into the intron after coding-DNA position 8632, C replaced by T.
Molecular consequence: intron variant.
Genome position (GRCh38, 1-based): chr13:32,371,474, C>T. VCF-style: chr13-32371474-C-T. GRCh37 (hg19) VCF-style: chr13-32945611-C-T.
Other names: IVS 20+374C>T.
Identifiers: ClinVar variation 209818 (VCV000209818.1), dbSNP rs139210671, ClinGen allele CA276786.

ClinVar aggregate classification (germline): Benign (3 of 4 stars; one submission).

Conditions:
Breast-ovarian cancer, familial, susceptibility to, 2 (BROVCA2). Also called: BRCA2 Hereditary Breast and Ovarian Cancer. Identifiers: Orphanet 145, MedGen C2675520, MONDO:0012933, OMIM 612555. Disease mechanism: loss of function.

Allele frequency attached by ClinVar (database versions not stated): 1000 Genomes Project 30x 0.00031; 1000 Genomes Project 0.00060; TOPMed 0.00079; gnomAD 0.00089 and 0.00092.
gnomAD v4.1: 133 of 151,812 alleles (0.088%); highest among the groups gnomAD compares: Non-Finnish European, 0.14%; no homozygotes.

Submission:

Evidence-based Network for the Interpretation of Germline Mutant Alleles (ENIGMA)
Classification: Benign for Breast-ovarian cancer, familial 2. Last evaluated: 2015-01-12. Review status: reviewed by expert panel. Criteria: ENIGMA BRCA1/2 Classification Criteria (2015). Collection method: curation. Allele origin: germline.
Comment: Class 1 not pathogenic based on frequency >1% in an outbred sampleset. Frequency 0.01016 (African), derived from 1000 genomes (2012-04-30).